The following is an entry in ClinVar:

ClinVar aggregate classification (germline): other (0 of 4 stars; one submission).

Conditions:
Familial colorectal cancer. Identifiers: MedGen CN280943, MONDO:0023113. Disease mechanism: loss of function.

Submission:

Systems Biology Platform Zhejiang California International NanoSystems Institute
Classification: other for Familial colorectal cancer. Review status: no assertion criteria provided. Collection method: not provided. Allele origin: unknown.
ClinVar note: Converted during submission from cancer to other.

NM_000038.6(APC):c.729+2019G>C

Gene: APC (APC regulator of WNT signaling pathway; plus strand). Cytogenetic location: 5q22.2.
Variant type: single nucleotide variant.
Coding change: c.729+2019G>C on transcript NM_000038.6 (MANE Select); 2019 bases into the intron after coding-DNA position 729, G replaced by C.
Molecular consequence: intron variant.
Genome position (GRCh38, 1-based): chr5:112,794,548, G>C. VCF-style: chr5-112794548-G-C. GRCh37 (hg19) VCF-style: chr5-112130245-G-C.
Other names: c.729+2019G>C (NM_001354895.2, NM_001127510.3, NM_001354896.2 and 1 more transcripts); c.759+2019G>C (NM_001354897.2, NM_001354902.2); c.676-6731G>C (NM_001127511.3); c.654+2019G>C (NM_001354898.2, NM_001354904.2); c.-307+2019G>C (NM_001354906.2); c.646-6731G>C (NM_001354899.2); c.552+2019G>C (NM_001354900.2, NM_001354901.2, NM_001354905.2).
Identifiers: ClinVar variation 83014 (VCV000083014.2), dbSNP rs78508329, ClinGen allele CA013087.